The following is an entry in ClinVar:

NM_003873.7(NRP1):c.755C>T (p.Ala252Val)

Gene: NRP1 (neuropilin 1; minus strand). Cytogenetic location: 10p11.22.
Variant type: single nucleotide variant.
Coding change: c.755C>T on transcript NM_003873.7 (MANE Select); coding-DNA position 755, C replaced by T.
Protein change: p.Ala252Val; replaces alanine 252 with valine.
Molecular consequence: missense variant. On other transcripts: non-coding transcript variant (1).
Genome position (GRCh38, 1-based): chr10:33,256,375, G>A on the plus strand (C>T on the coding strand, the complement: NRP1 is on the minus strand). VCF-style: chr10-33256375-G-A. GRCh37 (hg19) VCF-style: chr10-33545303-G-A.
Other names: c.755C>T, p.Ala252Val (NM_001024628.3, NM_001024629.3, NM_001244972.2 and 2 more transcripts); short protein forms A252V.
Identifiers: ClinVar variation 3202194 (VCV003202194.4), dbSNP rs780290010, ClinGen allele CA5466875.
Genomic context (GRCh38, chr10:33,256,375, plus strand): 5'-CCTTCTGAGACACTGCTCTGCAAGACACTGTAGTTTGCTGAGAAACCTTCTTTTGCTATC[G>A]CGCTGTCGGTGTAAAAAACCATGGAGAGAATGCCCGATGAGGATCGGATTCGACCTGGTG-3'
Protein context (NP_003864.5, residues 242-262): ILSMVFYTDS[Ala252Val]IAKEGFSANY

ClinVar aggregate classification (germline): Uncertain significance. Review status: criteria provided, multiple submitters, no conflicts (2 of 4 stars). 2 submissions from 2 submitters: Uncertain significance (2). Last evaluated 2026-06-16.

Conditions:
NRP1-related disorder. Also called: NRP1-related condition.

Allele frequency attached by ClinVar (database versions not stated): ExAC 0.00001; gnomAD 0.00001; gnomAD exomes 0.00001; TOPMed 0.00002.
gnomAD v4.1: 18 of 1,614,012 alleles (0.0011%); highest among the groups gnomAD compares: East Asian, 0.013%; no homozygotes.

Submissions (2):

PreventionGenetics, part of Exact Sciences
Classification: Uncertain significance for NRP1-related condition. Last evaluated: 2026-06-16. Review status: criteria provided, single submitter. Criteria: ACMG Guidelines, 2015. Collection method: clinical testing. Allele origin: germline.
Comment: The NRP1 c.755C>T variant is predicted to result in the amino acid substitution p.Ala252Val. To our knowledge, this variant has not been reported in the literature. This variant is reported in 0.022% of alleles in individuals of East Asian descent in gnomAD. At this time, the clinical significance of this variant is uncertain due to the absence of conclusive functional and genetic evidence.

Ambry Genetics
Classification: Uncertain significance. Last evaluated: 2025-11-20. Review status: criteria provided, single submitter. Criteria: Ambry Variant Classification Scheme 2023. Collection method: clinical testing. Allele origin: germline.